The following is an entry in ClinVar:

NM_003978.5(PSTPIP1):c.1027G>A (p.Gly343Ser)

Gene: PSTPIP1 (proline-serine-threonine phosphatase interacting protein 1; plus strand). Cytogenetic location: 15q24.3.
Variant type: single nucleotide variant.
Coding change: c.1027G>A on transcript NM_003978.5 (MANE Select); coding-DNA position 1027, G replaced by A.
Protein change: p.Gly343Ser; replaces glycine 343 with serine.
Molecular consequence: missense variant. On other transcripts: non-coding transcript variant (1).
Genome position (GRCh38, 1-based): chr15:77,035,843, G>A. VCF-style: chr15-77035843-G-A. GRCh37 (hg19) VCF-style: chr15-77328184-G-A.
Other names: c.970G>A, p.Gly324Ser (NM_001321135.2); c.1000G>A, p.Gly334Ser (NM_001321136.2); c.1222G>A, p.Gly408Ser (NM_001321137.1); short protein forms G343S, G408S, G334S, G324S.
Identifiers: ClinVar variation 573136 (VCV000573136.11), dbSNP rs370404621, ClinGen allele CA7676141.

ClinVar aggregate classification (germline): Uncertain significance. Review status: criteria provided, multiple submitters, no conflicts (2 of 4 stars). 2 submissions from 2 submitters: Uncertain significance (2). Last evaluated 2025-12-03.

Conditions:
Pyogenic arthritis-pyoderma gangrenosum-acne syndrome (PAPA). Also called: PAPA SYNDROME; FAMILIAL RECURRENT ARTHRITIS. Identifiers: Orphanet 69126, MedGen C1858361, MONDO:0011462, OMIM 604416.
Autoinflammatory syndrome. Identifiers: Orphanet 93665, MedGen C3890737, MONDO:0019751.

Allele frequency attached by ClinVar (database versions not stated): gnomAD exomes 0.00003 and 0.00009; ExAC 0.00004; gnomAD 0.00004 and 0.00005; ESP Exome Variant Server 0.00008; TOPMed 0.00008.
gnomAD v4.1: 138 of 1,610,304 alleles (0.0086%); highest among the groups gnomAD compares: Non-Finnish European, 0.011%; 1 homozygote.

Submissions (2):

Labcorp Genetics (formerly Invitae), Labcorp
Classification: Uncertain significance for Pyogenic arthritis-pyoderma gangrenosum-acne syndrome. Last evaluated: 2025-12-03. Review status: criteria provided, single submitter. Criteria: Invitae Variant Classification Sherloc (09022015). Collection method: clinical testing. Allele origin: germline.
Comment: This sequence change replaces glycine, which is neutral and non-polar, with serine, which is neutral and polar, at codon 343 of the PSTPIP1 protein (p.Gly343Ser). This variant is present in population databases (rs370404621, gnomAD 0.006%). This variant has not been reported in the literature in individuals affected with PSTPIP1-related conditions. ClinVar contains an entry for this variant (Variation ID: 573136). Invitae Evidence Modeling of protein sequence and biophysical properties (such as structural, functional, and spatial information, amino acid conservation, physicochemical variation, residue mobility, and thermodynamic stability) indicates that this missense variant is not expected to disrupt PSTPIP1 protein function with a negative predictive value of 80%. In summary, the available evidence is currently insufficient to determine the role of this variant in disease. Therefore, it has been classified as a Variant of Uncertain Significance.

Genome Diagnostics Laboratory, The Hospital for Sick Children
Classification: Uncertain significance for Autoinflammatory syndrome. Last evaluated: 2016-12-12. Review status: criteria provided, single submitter. Criteria: ACMG Guidelines, 2015. Collection method: clinical testing. Allele origin: germline. Affected: yes.